The following is an entry in ClinVar:

ClinVar aggregate classification (germline): Uncertain significance. Review status: criteria provided, multiple submitters, no conflicts (2 of 4 stars). 2 submissions from 2 submitters: Uncertain significance (2). Last evaluated 2023-06-24.

Conditions:
Hereditary cancer-predisposing syndrome. Also called: Hereditary Cancer Syndrome; Hereditary neoplastic syndrome; Tumor predisposition; Neoplastic Syndromes, Hereditary. Identifiers: Orphanet 140162, MedGen C0027672, MeSH D009386, MONDO:0015356.
Bloom syndrome (BLM). Also called: Bloom-Torre-Machacek syndrome. Identifiers: Orphanet 125, MedGen C0005859, MONDO:0008876, OMIM 210900.

Submissions (2):

Labcorp Genetics (formerly Invitae), Labcorp
Classification: Uncertain significance for Bloom syndrome. Last evaluated: 2023-06-24. Review status: criteria provided, single submitter. Criteria: Invitae Variant Classification Sherloc (09022015). Collection method: clinical testing. Allele origin: germline.
Comment: This variant is not present in population databases (gnomAD no frequency). This variant has not been reported in the literature in individuals affected with BLM-related conditions. ClinVar contains an entry for this variant (Variation ID: 1789734). Advanced modeling of protein sequence and biophysical properties (such as structural, functional, and spatial information, amino acid conservation, physicochemical variation, residue mobility, and thermodynamic stability) performed at Invitae indicates that this missense variant is not expected to disrupt BLM protein function. In summary, the available evidence is currently insufficient to determine the role of this variant in disease. Therefore, it has been classified as a Variant of Uncertain Significance. This sequence change replaces isoleucine, which is neutral and non-polar, with methionine, which is neutral and non-polar, at codon 777 of the BLM protein (p.Ile777Met).

Ambry Genetics
Classification: Uncertain significance for Hereditary cancer-predisposing syndrome. Last evaluated: 2022-07-23. Review status: criteria provided, single submitter. Criteria: Ambry Variant Classification Scheme 2023. Collection method: clinical testing. Allele origin: germline.
Comment: The p.I777M variant (also known as c.2331T>G), located in coding exon 10 of the BLM gene, results from a T to G substitution at nucleotide position 2331. The isoleucine at codon 777 is replaced by methionine, an amino acid with highly similar properties. This amino acid position is conserved. In addition, this alteration is predicted to be tolerated by in silico analysis. Since supporting evidence is limited at this time, the clinical significance of this alteration remains unclear.

NM_000057.4(BLM):c.2331T>G (p.Ile777Met)

Gene: BLM (BLM RecQ like helicase; plus strand). Cytogenetic location: 15q26.1.
Variant type: single nucleotide variant.
Coding change: c.2331T>G on transcript NM_000057.4 (MANE Select); coding-DNA position 2331, T replaced by G.
Protein change: p.Ile777Met; replaces isoleucine 777 with methionine.
Molecular consequence: missense variant.
Genome position (GRCh38, 1-based): chr15:90,769,156, T>G. VCF-style: chr15-90769156-T-G. GRCh37 (hg19) VCF-style: chr15-91312386-T-G.
Other names: c.2331T>G, p.Ile777Met (NM_001287246.2, NM_001287247.2); c.1206T>G, p.Ile402Met (NM_001287248.2); short protein forms I777M, I402M.
Identifiers: ClinVar variation 1789734 (VCV001789734.7), dbSNP rs2505454285, ClinGen allele CA393845073.